The following is an entry in ClinVar:

NM_003002.4(SDHD):c.170-5T>A

Gene: SDHD (succinate dehydrogenase complex subunit D; plus strand). Cytogenetic location: 11q23.1.
Variant type: single nucleotide variant.
Coding change: c.170-5T>A on transcript NM_003002.4 (MANE Select); 5 bases into the intron before coding-DNA position 170, T replaced by A.
Molecular consequence: intron variant.
Genome position (GRCh38, 1-based): chr11:112,088,862, T>A. VCF-style: chr11-112088862-T-A. GRCh37 (hg19) VCF-style: chr11-111959586-T-A.
Other names: c.170-5T>A (NM_001276506.2); c.169+889T>A (NM_001276503.2); c.53-5T>A (NM_001276504.2).
Identifiers: ClinVar variation 1393728 (VCV001393728.10), dbSNP rs1218549926, ClinGen allele CA2573146858.

ClinVar aggregate classification (germline): Uncertain significance. Review status: criteria provided, multiple submitters, no conflicts (2 of 4 stars). 2 submissions from 2 submitters: Uncertain significance (2). Last evaluated 2024-07-24.

Conditions:
Carney-Stratakis syndrome. Also called: PARAGANGLIOMA AND GASTROINTESTINAL STROMAL TUMOR. Identifiers: Orphanet 97286, MedGen C1847319, MONDO:0011740, OMIM 606864.
Pheochromocytoma. Also called: MAX-Related Hereditary Paraganglioma-Pheochromocytoma Syndrome. Identifiers: Orphanet 29072, MedGen C0031511, MONDO:0008233, OMIM 171300, HP:0002666.
Paragangliomas with sensorineural hearing loss. Identifiers: MedGen C1868633.
Cowden syndrome 3 (CWS3). Identifiers: Orphanet 201, MedGen CN166604, MONDO:0014045.
Hereditary cancer-predisposing syndrome. Also called: Neoplastic Syndromes, Hereditary; Hereditary neoplastic syndrome; Tumor predisposition; Hereditary Cancer Syndrome. Identifiers: Orphanet 140162, MedGen C0027672, MeSH D009386, MONDO:0015356.

Submissions (2):

Labcorp Genetics (formerly Invitae), Labcorp
Classification: Uncertain significance for Carney-Stratakis syndrome; Paragangliomas with sensorineural hearing loss; Pheochromocytoma; Cowden syndrome 3. Last evaluated: 2024-07-24. Review status: criteria provided, single submitter. Criteria: Invitae Variant Classification Sherloc (09022015). Collection method: clinical testing. Allele origin: germline.
Comment: This sequence change falls in intron 2 of the SDHD gene. It does not directly change the encoded amino acid sequence of the SDHD protein. This variant is not present in population databases (gnomAD no frequency). This variant has not been reported in the literature in individuals affected with SDHD-related conditions. ClinVar contains an entry for this variant (Variation ID: 1393728). Algorithms developed to predict the effect of sequence changes on RNA splicing suggest that this variant may disrupt the consensus splice site. In summary, the available evidence is currently insufficient to determine the role of this variant in disease. Therefore, it has been classified as a Variant of Uncertain Significance.

Ambry Genetics
Classification: Uncertain significance for Hereditary cancer-predisposing syndrome. Last evaluated: 2021-01-19. Review status: criteria provided, single submitter. Criteria: Ambry Variant Classification Scheme 2023. Collection method: clinical testing. Allele origin: germline.
Comment: The c.170-5T>A intronic variant results from a T to A substitution 5 nucleotides upstream from coding exon 3 in the SDHD gene. This nucleotide position is well conserved in available vertebrate species. In silico splice site analysis predicts that this alteration will weaken the native splice acceptor site and may result in the creation or strengthening of a novel splice acceptor site. Since supporting evidence is limited at this time, the clinical significance of this alteration remains unclear.